The following is an entry in ClinVar:

ClinVar aggregate classification (germline): Likely pathogenic (1 of 4 stars; one submission).

Conditions:
Hyperekplexia 3 (HKPX3). Also called: HYPEREKPLEXIA 3, AUTOSOMAL RECESSIVE; HYPEREKPLEXIA 3, AUTOSOMAL DOMINANT. Identifiers: Orphanet 3197, MedGen C3553288, MONDO:0013827, OMIM 614618.

Submission:

Juno Genomics, Hangzhou Juno Genomics, Inc
Classification: Likely pathogenic for Hyperekplexia 3. Review status: criteria provided, single submitter. Criteria: ACMG Guidelines, 2015. Collection method: clinical testing. Allele origin: germline.
Comment: Null variant in a gene where loss of function (LOF) is a known mechanism of disease.;Absent from controls (or at extremely low frequency if recessive) in Genome Aggregation Database.

NM_004211.5(SLC6A5):c.1624+2_1624+7del

Gene: SLC6A5 (solute carrier family 6 member 5; plus strand). Cytogenetic location: 11p15.1.
Variant type: Deletion.
Coding change: c.1624+2_1624+7del on transcript NM_004211.5 (MANE Select); the canonical splice donor site of the intron after coding-DNA position 1624 through 7 bases into the intron after coding-DNA position 1624, 6 bases deleted (TACAGG; older notation c.1624+2_1624+7delTACAGG).
Molecular consequence: splice donor variant.
Genome position (GRCh38, 1-based): chr11:20,630,817-20,630,822, TACAGG deleted; deleting any 6 consecutive bases within chr11:20,630,814-20,630,822 gives the same sequence; the c. name uses the placement nearest the transcript's 3' end. VCF-style (leftmost placement, unchanged base first): chr11-20630813-AAGGTAC-A. GRCh37 (hg19) VCF-style: chr11-20652359-AAGGTAC-A.
Other names: c.922+2_922+7del (NM_001318369.2).
Identifiers: ClinVar variation 5007851 (VCV005007851.2).